The following is an entry in ClinVar:

NM_001256071.3(RNF213):c.11671A>G (p.Met3891Val)

Genes: RNF213 (ring finger protein 213; plus strand), RNF213-AS1 (RNF213 antisense RNA 1; minus strand). Cytogenetic location: 17q25.3.
Variant type: single nucleotide variant.
Coding change: c.11671A>G on transcript NM_001256071.3 (MANE Select); coding-DNA position 11671, A replaced by G.
Protein change: p.Met3891Val; replaces methionine 3891 with valine.
Molecular consequence: missense variant.
Genome position (GRCh38, 1-based): chr17:80,363,711, A>G. VCF-style: chr17-80363711-A-G. GRCh37 (hg19) VCF-style: chr17-78337511-A-G.
Other names: p.Met3891Val; c.11818A>G, p.Met3940Val (NM_001410195.1, NM_020914.5); short protein forms M3891V, M3940V.
Identifiers: ClinVar variation 3380532 (VCV003380532.1).

ClinVar aggregate classification (germline): Uncertain significance (1 of 4 stars; one submission).

Submission:

Mayo Clinic Laboratories, Mayo Clinic
Classification: Uncertain significance. Last evaluated: 2024-07-29. Review status: criteria provided, single submitter. Criteria: ACMG Guidelines, 2015. Collection method: clinical testing. Allele origin: germline. Observed: 1 variant allele.
Comment: BP4, PM2

Literature cited by the submitters: PubMed 21048783.